The following is an entry in ClinVar:

ClinVar aggregate classification (germline): Uncertain significance. Review status: criteria provided, multiple submitters, no conflicts (2 of 4 stars). 2 submissions from 2 submitters: Uncertain significance (2). Last evaluated 2026-04-11.

Conditions:
Ehlers-Danlos syndrome, musculocontractural type (EDSMC). Also called: Adducted thumb, clubfoot, progressive joint and skin laxity syndrome; ARTHROGRYPOSIS, DISTAL, WITH PECULIAR FACIES AND HYDRONEPHROSIS; DUNDAR SYNDROME; ADDUCTED THUMB-CLUBFOOT SYNDROME. Identifiers: Orphanet 2953, MedGen C1866294, MONDO:0011142.
Cardiovascular phenotype. Identifiers: MedGen CN230736.

gnomAD v4.1: 15 of 1,600,706 alleles (0.00094%); highest among the groups gnomAD compares: African/African-American, 0.0013%; no homozygotes.

Submissions (2):

Ambry Genetics
Classification: Uncertain significance for Cardiovascular phenotype. Last evaluated: 2026-04-11. Review status: criteria provided, single submitter. Criteria: Ambry Variant Classification Scheme 2023. Collection method: clinical testing. Allele origin: germline.
Comment: The p.R105G variant (also known as c.313C>G), located in coding exon 1 of the CHST14 gene, results from a C to G substitution at nucleotide position 313. The arginine at codon 105 is replaced by glycine, an amino acid with dissimilar properties. This amino acid position is conserved. In addition, the in silico prediction for this alteration is inconclusive. Based on the available evidence, the clinical significance of this variant remains unclear.

Labcorp Genetics (formerly Invitae), Labcorp
Classification: Uncertain significance for Ehlers-Danlos syndrome, musculocontractural type. Last evaluated: 2024-10-22. Review status: criteria provided, single submitter. Criteria: Invitae Variant Classification Sherloc (09022015). Collection method: clinical testing. Allele origin: germline.
Comment: This sequence change replaces arginine, which is basic and polar, with glycine, which is neutral and non-polar, at codon 105 of the CHST14 protein (p.Arg105Gly). This variant is present in population databases (rs760814663, gnomAD 0.007%). This variant has not been reported in the literature in individuals affected with CHST14-related conditions. Invitae Evidence Modeling of protein sequence and biophysical properties (such as structural, functional, and spatial information, amino acid conservation, physicochemical variation, residue mobility, and thermodynamic stability) indicates that this missense variant is not expected to disrupt CHST14 protein function with a negative predictive value of 80%. In summary, the available evidence is currently insufficient to determine the role of this variant in disease. Therefore, it has been classified as a Variant of Uncertain Significance.

NM_130468.4(CHST14):c.313C>G (p.Arg105Gly)

Gene: CHST14 (carbohydrate sulfotransferase 14; plus strand). Cytogenetic location: 15q15.1.
Variant type: single nucleotide variant.
Coding change: c.313C>G on transcript NM_130468.4 (MANE Select); coding-DNA position 313, C replaced by G.
Protein change: p.Arg105Gly; replaces arginine 105 with glycine.
Molecular consequence: missense variant.
Genome position (GRCh38, 1-based): chr15:40,471,526, C>G. VCF-style: chr15-40471526-C-G. GRCh37 (hg19) VCF-style: chr15-40763725-C-G.
Other names: short protein forms R105G.
Identifiers: ClinVar variation 3622277 (VCV003622277.4).
Genomic context (GRCh38, chr15:40,471,526, plus strand): 5'-GGGAAAGCCCCCAAGCCTGGGGGCCTGTCCCTCAGGGCTGGGGACGCGGACTTGCAAGTG[C>G]GGCAGGACGTCCGGAACAGGACCCTGCGGGCGGTGTGCGGACAGCCAGGCATGCCCCGGG-3'
Protein context (NP_569735.1, residues 95-115): LRAGDADLQV[Arg105Gly]QDVRNRTLRA